The following is an entry in ClinVar:

NM_002890.3(RASA1):c.1995_1999del (p.Ser665fs)

Genes: CCNH (cyclin H; minus strand), RASA1 (RAS p21 protein activator 1; plus strand). Cytogenetic location: 5q14.3.
Variant type: Deletion.
Coding change: c.1995_1999del on transcript NM_002890.3 (MANE Select); coding-DNA positions 1995 to 1999, 5 bases deleted (CAAAG; older notation c.1995_1999delCAAAG).
Protein change: p.Ser665fs; shifts the reading frame from serine 665.
Molecular consequence: frameshift variant. On other transcripts: intron variant (1).
Genome position (GRCh38, 1-based): chr5:87,374,900-87,374,904, CAAAG deleted; deleting any 5 consecutive bases within chr5:87,374,896-87,374,904 gives the same sequence; the c. name uses the placement nearest the transcript's 3' end. VCF-style (leftmost placement, unchanged base first): chr5-87374895-AAAAGC-A. GRCh37 (hg19) VCF-style: chr5-86670712-AAAAGC-A.
Other names: c.1464_1468del, p.Ser488fs (NM_022650.3); c.933+20144_933+20148del (NM_001364075.2); c.1995_1999delCAAAG (NM_002890.3); short protein forms S488fs, S665fs.
Identifiers: ClinVar variation 1684041 (VCV001684041.2), dbSNP rs2112487030, ClinGen allele CA2573140087.
Genomic context (GRCh38, chr5:87,374,895, plus strand): 5'-TTTAGTGATCTTCCTCCTGACATCAATAGATTTGAAATAACTCTTAGTAATAAAACAAAG[AAAAGC>A]AAAGATCCTGATATCTGTAAGTTGATACAGAAACTTTCTAAAATAGAAAAAGCATGTTTT-3'

ClinVar aggregate classification (germline): Pathogenic (0 of 4 stars; one submission).

Conditions:
Capillary malformation-arteriovenous malformation 1 (CMAVM1). Identifiers: Orphanet 137667, Orphanet 693907, MedGen C4747394, MONDO:0020783, OMIM 608354.

Submission:

Laboratorio de Genética Hospitales Universitarios Virgen de las Nieves y Clínico San Cecilio (Granada, Spain), Hospitales Universitarios Virgen de las Nieves y Clínico San Cecilio (Granada, Spain)
Classification: Pathogenic for Capillary malformation-arteriovenous malformation 1. Review status: no assertion criteria provided. Collection method: clinical testing. Allele origin: de novo. Inheritance: Autosomal dominant inheritance. Affected: yes.
Comment: The variant c.1995_1999delCAAAG p.Ser665Argfs*3 detected in the RASA1 gene is a 5 nucleotide deletion that causes a frameshift at position 665 of the protein. Causes a frameshift-type change at position 665 of the protein. This change predicts a substitution of an amino acid amino acid Serine for Arginine and due to the change in the reading pattern it will result in a premature stop codon 3 amino acids later. The protein will have 667 residues, being the native protein 1047. It is not described in clinical databases or in the scientific literature consulted as of the date of this report. It is not annotated in the dbSNP database or in the gnomAD population frequency database.